The following is an entry in ClinVar:

NM_000059.4(BRCA2):c.483T>G (p.Cys161Trp)

Gene: BRCA2 (BRCA2 DNA repair associated; plus strand). Cytogenetic location: 13q13.1.
Variant type: single nucleotide variant.
Coding change: c.483T>G on transcript NM_000059.4 (MANE Select); coding-DNA position 483, T replaced by G.
Protein change: p.Cys161Trp; replaces cysteine 161 with tryptophan.
Molecular consequence: missense variant.
Genome position (GRCh38, 1-based): chr13:32,326,249, T>G. VCF-style: chr13-32326249-T-G. GRCh37 (hg19) VCF-style: chr13-32900386-T-G.
Other names: short protein forms C161W.
Identifiers: ClinVar variation 51723 (VCV000051723.12), dbSNP rs397507745, ClinGen allele CA020893.

ClinVar aggregate classification (germline): Uncertain significance. Review status: criteria provided, multiple submitters, no conflicts (2 of 4 stars). 4 submissions from 4 submitters: Uncertain significance (3). 1 of the submissions does not count toward it. Last evaluated 2025-06-05.

Conditions:
Hereditary breast ovarian cancer syndrome. Also called: Hereditary breast and ovarian cancer syndrome; Hereditary breast and ovarian cancer; Hereditary breast and ovarian cancer syndrome (HBOC); Breast and ovarian cancer; Hereditary breast and/or ovarian cancer syndrome; BRCA1- and BRCA2-Associated Hereditary Breast and Ovarian Cancer. Identifiers: Orphanet 145, MedGen C0677776, MeSH D061325, MONDO:0003582. Disease mechanism: loss of function.
Hereditary cancer-predisposing syndrome. Also called: Neoplastic Syndromes, Hereditary; Tumor predisposition; Hereditary neoplastic syndrome; Hereditary Cancer Syndrome. Identifiers: Orphanet 140162, MedGen C0027672, MeSH D009386, MONDO:0015356.
Breast-ovarian cancer, familial, susceptibility to, 2 (BROVCA2). Also called: BRCA2 Hereditary Breast and Ovarian Cancer. Identifiers: Orphanet 145, MedGen C2675520, MONDO:0012933, OMIM 612555. Disease mechanism: loss of function.
Familial cancer of breast. Also called: BREAST CANCER, FAMILIAL; Hereditary breast cancer; hereditary breast carcinoma. Identifiers: Orphanet 227535, MedGen C0346153, MONDO:0016419, OMIM 114480. Disease mechanism: loss of function.

Submissions (4):

Ambry Genetics
Classification: Uncertain significance for Hereditary cancer-predisposing syndrome. Last evaluated: 2025-06-05. Review status: criteria provided, single submitter. Criteria: Ambry Variant Classification Scheme 2023. Collection method: clinical testing. Allele origin: germline.
Comment: The p.C161W variant (also known as c.483T>G), located in coding exon 5 of the BRCA2 gene, results from a T to G substitution at nucleotide position 483. The cysteine at codon 161 is replaced by tryptophan, an amino acid with highly dissimilar properties. This alteration has been reported in breast and/or ovarian cancer patients (Ang P et al. Cancer Epidemiol Biomarkers Prev, 2007 Nov;16:2276-84; Luo Y et al. Int J Gen Med, 2022 Mar;15:2773-2786). This amino acid position is not well conserved in available vertebrate species. In addition, the in silico prediction for this alteration is inconclusive. Based on the available evidence, the clinical significance of this variant remains unclear.

Labcorp Genetics (formerly Invitae), Labcorp
Classification: Uncertain significance for Hereditary breast ovarian cancer syndrome. Last evaluated: 2021-06-09. Review status: criteria provided, single submitter. Criteria: Invitae Variant Classification Sherloc (09022015). Collection method: clinical testing. Allele origin: germline.
Comment: Advanced modeling of protein sequence and biophysical properties (such as structural, functional, and spatial information, amino acid conservation, physicochemical variation, residue mobility, and thermodynamic stability) performed at Invitae indicates that this missense variant is not expected to disrupt BRCA2 protein function. This variant has been observed in individual(s) with breast cancer (PMID: 29263802). ClinVar contains an entry for this variant (Variation ID: 51723). This variant is not present in population databases (ExAC no frequency). This sequence change replaces cysteine with tryptophan at codon 161 of the BRCA2 protein (p.Cys161Trp). The cysteine residue is weakly conserved and there is a large physicochemical difference between cysteine and tryptophan. In summary, the available evidence is currently insufficient to determine the role of this variant in disease. Therefore, it has been classified as a Variant of Uncertain Significance.

Institute of Human Genetics, University of Leipzig Medical Center
Classification: Uncertain significance for Breast-ovarian cancer, familial, susceptibility to, 2. Last evaluated: 2018-08-06. Review status: criteria provided, single submitter. Criteria: ACMG Guidelines, 2015. Collection method: clinical testing. Allele origin: germline. Affected: yes. Observed: 1 variant allele.

ClinVar Staff, National Center for Biotechnology Information (NCBI)
No classification provided. Condition: Familial cancer of breast. Review status: no classification provided. Collection method: literature only. Allele origin: germline. Affected: yes. Not counted in ClinVar's aggregate classification.

Literature cited by the submitters: PubMed 18006916 (cited by Ambry Genetics and ClinVar Staff, National Center for Biotechnology Information (NCBI)); PubMed 29263802 (cited by Labcorp Genetics (formerly Invitae), Labcorp).